The following is an entry in ClinVar:

ClinVar aggregate classification (germline): Benign (1 of 4 stars; one submission).

gnomAD v4.1: 9,895 of 1,612,630 alleles (0.61%); highest among the groups gnomAD compares: Middle Eastern, 2.8%; 53 homozygotes.

Submissions (14):

CeGaT Center for Human Genetics Tuebingen
Classification: Benign. Last evaluated: 2026-05-01. Review status: criteria provided, single submitter. Criteria: CeGaT Center For Human Genetics Tuebingen Variant Classification Criteria Version 2. Collection method: clinical testing. Allele origin: germline. Affected: yes. Observed: 12 variant alleles.
Comment: SLC47A2: BP4, BS1, BS2

Dr. Peter K. Rogan Lab, Western University
No classification provided (evidence only). Condition: Malignant tumor of urinary bladder. Review status: no classification provided. Collection method: in vitro. Allele origin: not applicable. Functional consequence: retained intron. Not counted in ClinVar's aggregate classification.

Dr. Peter K. Rogan Lab, Western University
No classification provided (evidence only). Condition: Clear cell carcinoma of kidney. Review status: no classification provided. Collection method: in vitro. Allele origin: not applicable. Functional consequence: retained intron. Not counted in ClinVar's aggregate classification.

Dr. Peter K. Rogan Lab, Western University
No classification provided (evidence only). Condition: Thyroid cancer, nonmedullary, 1. Review status: no classification provided. Collection method: in vitro. Allele origin: not applicable. Functional consequence: retained intron. Not counted in ClinVar's aggregate classification.

Dr. Peter K. Rogan Lab, Western University
No classification provided (evidence only). Condition: Cervical cancer. Review status: no classification provided. Collection method: in vitro. Allele origin: not applicable. Functional consequence: retained intron. Not counted in ClinVar's aggregate classification.

Dr. Peter K. Rogan Lab, Western University
No classification provided (evidence only). Condition: Cervical cancer. Review status: no classification provided. Collection method: in vitro. Allele origin: not applicable. Functional consequence: retained intron. Not counted in ClinVar's aggregate classification.

Dr. Peter K. Rogan Lab, Western University
No classification provided (evidence only). Condition: Cervical cancer. Review status: no classification provided. Collection method: in vitro. Allele origin: not applicable. Functional consequence: retained intron. Not counted in ClinVar's aggregate classification.

Dr. Peter K. Rogan Lab, Western University
No classification provided (evidence only). Condition: Cholangiocarcinoma. Review status: no classification provided. Collection method: in vitro. Allele origin: not applicable. Functional consequence: retained intron. Not counted in ClinVar's aggregate classification.

Dr. Peter K. Rogan Lab, Western University
No classification provided (evidence only). Condition: Ovarian serous cystadenocarcinoma. Review status: no classification provided. Collection method: in vitro. Allele origin: not applicable. Functional consequence: retained intron. Not counted in ClinVar's aggregate classification.

Dr. Peter K. Rogan Lab, Western University
No classification provided (evidence only). Condition: Ovarian serous cystadenocarcinoma. Review status: no classification provided. Collection method: in vitro. Allele origin: not applicable. Functional consequence: retained intron. Not counted in ClinVar's aggregate classification.

Dr. Peter K. Rogan Lab, Western University
No classification provided (evidence only). Condition: Ovarian serous cystadenocarcinoma. Review status: no classification provided. Collection method: in vitro. Allele origin: not applicable. Functional consequence: retained intron. Not counted in ClinVar's aggregate classification.

Dr. Peter K. Rogan Lab, Western University
No classification provided (evidence only). Condition: Ovarian serous cystadenocarcinoma. Review status: no classification provided. Collection method: in vitro. Allele origin: not applicable. Functional consequence: retained intron. Not counted in ClinVar's aggregate classification.

Dr. Peter K. Rogan Lab, Western University
No classification provided (evidence only). Condition: Gastric cancer. Review status: no classification provided. Collection method: in vitro. Allele origin: not applicable. Functional consequence: retained intron. Not counted in ClinVar's aggregate classification.

Dr. Peter K. Rogan Lab, Western University
No classification provided (evidence only). Condition: Malignant tumor of esophagus. Review status: no classification provided. Collection method: in vitro. Allele origin: not applicable. Functional consequence: retained intron. Not counted in ClinVar's aggregate classification.

NM_001099646.3(SLC47A2):c.1177G>A (p.Gly393Arg)

Gene: SLC47A2 (solute carrier family 47 member 2; minus strand). Cytogenetic location: 17p11.2.
Variant type: single nucleotide variant.
Coding change: c.1177G>A on transcript NM_001099646.3 (MANE Select); coding-DNA position 1177, G replaced by A.
Protein change: p.Gly393Arg; replaces glycine 393 with arginine.
Molecular consequence: missense variant. On other transcripts: non-coding transcript variant (2).
Genome position (GRCh38, 1-based): chr17:19,681,658, C>T on the plus strand (G>A on the coding strand, the complement: SLC47A2 is on the minus strand). VCF-style: chr17-19681658-C-T. GRCh37 (hg19) VCF-style: chr17-19584971-C-T.
Other names: NC_000017.10:g.19584971C>T; c.1219G>A, p.Gly407Arg (NM_001256663.3); c.1285G>A, p.Gly429Arg (NM_152908.5); short protein forms G393R, G407R, G429R.
Identifiers: ClinVar variation 3387889 (VCV003387889.15).